The following is an entry in ClinVar:

NM_006493.4(CLN5):c.566-8dup

Gene: CLN5 (CLN5 lysosomal BMP synthase; plus strand). Cytogenetic location: 13q22.3.
Variant type: Duplication.
Coding change: c.566-8dup on transcript NM_006493.4 (MANE Select); 8 bases into the intron before coding-DNA position 566, one base duplicated (T; older notation c.566-8dupT).
Molecular consequence: intron variant.
Genome position (GRCh38, 1-based): chr13:77,000,450, T duplicated; the last of 7 consecutive T bases (chr13:77,000,444-77,000,450); duplicating any one gives the same sequence. VCF-style (leftmost placement, unchanged base first): chr13-77000443-G-GT. GRCh37 (hg19) VCF-style: chr13-77574578-G-GT.
Other names: c.713-8dup (LRG_692t1); c.15-8dup (NM_001366624.2); c.713-8dupT (NM_006493.2).
Identifiers: ClinVar variation 421137 (VCV000421137.9), dbSNP rs760343764, ClinGen allele CA7007229.
Genomic context (GRCh38, chr13:77,000,443, plus strand): 5'-TAAAAAAAAAAAAAAAAAAAATTAACATGATTAGCTTTGTTCACTAGGTGACTTTGTTTT[G>GT]TTTTTTTAAACTAGGAAACATGTTCAACCAAATGGCAAAGTGGGTGAAACAGGACAATGA-3'

ClinVar aggregate classification (germline): Benign/Likely benign. Review status: criteria provided, multiple submitters, no conflicts (2 of 4 stars). 3 submissions from 3 submitters: Benign (1); Likely benign (2). Last evaluated 2026-01-14.

Conditions:
Neuronal ceroid lipofuscinosis. Also called: Neuronal Ceroid Lipofuscinoses. Identifiers: Orphanet 216, Orphanet 79263, MedGen C0027877, MONDO:0016295. Disease mechanism: loss of function.

Submissions (3):

Labcorp Genetics (formerly Invitae), Labcorp
Classification: Benign for Neuronal ceroid lipofuscinosis. Last evaluated: 2026-01-14. Review status: criteria provided, single submitter. Criteria: Invitae Variant Classification Sherloc (09022015). Collection method: clinical testing. Allele origin: germline.

Blueprint Genetics
Classification: Likely benign. Last evaluated: 2023-12-14. Review status: criteria provided, single submitter. Criteria: ACMG Guidelines, 2015. Collection method: clinical testing. Allele origin: germline.

GeneDx
Classification: Likely benign. Last evaluated: 2017-07-10. Review status: criteria provided, single submitter. Criteria: GeneDx Variant Classification (06012015). Collection method: clinical testing. Allele origin: germline. Affected: yes.
Comment: This variant is considered likely benign or benign based on one or more of the following criteria: it is a conservative change, it occurs at a poorly conserved position in the protein, it is predicted to be benign by multiple in silico algorithms, and/or has population frequency not consistent with disease.